The following is an entry in ClinVar:

ClinVar aggregate classification (germline): Conflicting classifications of pathogenicity. Review status: criteria provided, conflicting classifications (1 of 4 stars). 10 submissions from 10 submitters: Likely pathogenic (1); Uncertain significance (7); Likely benign (1). 1 of the submissions does not count toward it. Last evaluated 2026-01-24.

Conditions:
ABCA3-related disorder. Also called: ABCA3-related condition.
Bullous lung disease.
Hereditary pulmonary alveolar proteinosis. Also called: Pulmonary surfactant metabolism dysfunction. Identifiers: Orphanet 264675, MedGen C3711368, MONDO:0012580.
Interstitial lung disease due to ABCA3 deficiency. Also called: PULMONARY ALVEOLAR PROTEINOSIS, CONGENITAL, 3. Identifiers: Orphanet 440402, MedGen C1970456, MONDO:0012582, OMIM 610921.

Allele frequency attached by ClinVar (database versions not stated): 1000 Genomes Project 30x 0.00016; 1000 Genomes Project 0.00020; gnomAD exomes 0.00081; ExAC 0.00100; ESP Exome Variant Server 0.00108; gnomAD 0.00110 and 0.00141.

Submissions (10):

Labcorp Genetics (formerly Invitae), Labcorp
Classification: Likely benign. Last evaluated: 2026-01-24. Review status: criteria provided, single submitter. Criteria: Invitae Variant Classification Sherloc (09022015). Collection method: clinical testing. Allele origin: germline.

Blueprint Genetics
Classification: Uncertain significance. Last evaluated: 2024-11-08. Review status: criteria provided, single submitter. Criteria: ACMG Guidelines, 2015. Collection method: clinical testing. Allele origin: germline.

GeneDx
Classification: Likely pathogenic. Last evaluated: 2024-01-29. Review status: criteria provided, single submitter. Criteria: GeneDx Variant Classification Process June 2021. Collection method: clinical testing. Allele origin: germline. Affected: yes.
Comment: In silico analysis supports that this missense variant has a deleterious effect on protein structure/function; This variant is associated with the following publications: (PMID: 27516224, 23166334, 20656946, 36863776, 36808083, 36404394, 25712598, 24871971, 24115460, 37780198, 33708521)

Petrovsky National Research Centre of Surgery, The Federal Agency for Scientific Organizations
Classification: Uncertain significance for Bullous lung disease. Last evaluated: 2023-09-19. Review status: criteria provided, single submitter. Criteria: ACMG Guidelines, 2015. Collection method: clinical testing. Allele origin: germline. Affected: yes.
Comment: This variant is in The Genome Aggregation Database (gnomAD) v2.1.1 with total MAF 0.0008265 (Date of access 13-09-2023). Clinvar contains an entry for this variant (Variation ID: 228421). This variant has been reported in 4 studies in patients with primary lung diseases with variable phenotypes, and in most cases in compound heterozygous with other pathogenic alleles (PMID: 20656946‚ 23166334‚ 27516224, 33708521). Most in silico predictors are inconclusive in the results. In accordance with ACMG(2015) criteria this variant is classified as Variant of Uncertain Significance (VUS) with following criteria selected: PM2.

Genetics and Molecular Pathology, SA Pathology
Classification: Uncertain significance for Interstitial lung disease due to ABCA3 deficiency. Last evaluated: 2021-05-10. Review status: criteria provided, single submitter. Criteria: ACMG Guidelines, 2015. Collection method: clinical testing. Allele origin: germline. Inheritance: Autosomal recessive inheritance. Affected: yes.

Johns Hopkins Genomics, Johns Hopkins University
Classification: Uncertain significance for Interstitial lung disease due to ABCA3 deficiency. Last evaluated: 2020-08-27. Review status: criteria provided, single submitter. Criteria: ACMG Guidelines, 2015. Collection method: clinical testing. Allele origin: germline.

Ambry Genetics
Classification: Uncertain significance for Hereditary pulmonary alveolar proteinosis. Last evaluated: 2019-02-20. Review status: criteria provided, single submitter. Criteria: Ambry Variant Classification Scheme 2023. Collection method: clinical testing. Allele origin: germline.
Comment: The p.R280H variant (also known as c.839G>A), located in coding exon 5 of the ABCA3 gene, results from a G to A substitution at nucleotide position 839. The arginine at codon 280 is replaced by histidine, an amino acid with highly similar properties. This alteration has been reported in the heterozygous state, in an adult patient with sporadic pulmonary fibrosis and in a newborn infant with neonatal respiratory distress syndrome (RDS) (van Moorsel CH et al. Am. J. Respir. Crit. Care Med., 2010 Dec;182:1419-25; Wambach JA et al. Pediatrics, 2012 Dec;130:e1575-82); a second alteration was not identified in either patient. This amino acid position is highly conserved in available vertebrate species. In addition, the in silico prediction for this alteration is inconclusive. Since supporting evidence is limited at this time, the clinical significance of this alteration remains unclear.

Illumina Laboratory Services, Illumina
Classification: Uncertain significance for Interstitial lung disease due to ABCA3 deficiency. Last evaluated: 2018-01-12. Review status: criteria provided, single submitter. Criteria: ICSL Variant Classification Criteria 13 December 2019. Collection method: clinical testing. Allele origin: germline.

Laboratory for Molecular Medicine, Mass General Brigham Personalized Medicine
Classification: Uncertain significance. Last evaluated: 2015-12-09. Review status: criteria provided, single submitter. Criteria: LMM Criteria. Collection method: clinical testing. Allele origin: germline. Observed: 1 variant allele.
Comment: The p.Arg280His variant in ABCA3 has been reported in 1 individual with adult id iopathic interstitial pneumonia (Van Moorsel, 2010). It has been identified in 0 .15% (100/66624) of European chromosomes by the Exome Aggregation Consortium (Ex AC; dbSNP rs143008553). Computational prediction tools and conservation analysis suggest that this variant may impact the protei n, though this information is not predictive enough to determine pathogenicity. In summary, the clinical significance of the p.Arg280His variant is uncertain.

PreventionGenetics, part of Exact Sciences
Classification: Uncertain significance for ABCA3-related condition. Last evaluated: 2024-08-26. Review status: no assertion criteria provided. Collection method: clinical testing. Allele origin: germline. Not counted in ClinVar's aggregate classification.
Comment: The ABCA3 c.839G>A variant is predicted to result in the amino acid substitution p.Arg280His. This variant has been reported in an infant with neonatal respiratory distress without a second variant specified (Supp. Table 13, Wambach et al. 2012. PubMed ID: 23166334). It has also been reported in an individual with diffuse parenchymal lung disease with a second ABCA3 variant, though the phase of the variants was not specified (Kröner et al. 2017. PubMed ID: 27516224), and in a full term infant with severe respiratory distress syndrome in the compound heterozygous state with ABCA3 c.1897-1G>C (Wang et al. 2021. PubMed ID: 33708521). This variant is reported in 0.19% of alleles in individuals of European (Finnish) descent in gnomAD. At this time, the clinical significance of this variant is uncertain due to the absence of conclusive functional and genetic evidence.

Literature cited by the submitters: PubMed 20656946 (cited by 4 submitters); PubMed 23166334 (cited by 3 submitters); PubMed 27516224 (cited by 3 submitters); PubMed 33708521 (cited by Petrovsky National Research Centre of Surgery, The Federal Agency for Scientific Organizations).

NM_001089.3(ABCA3):c.839G>A (p.Arg280His)

Gene: ABCA3 (ATP binding cassette subfamily A member 3; minus strand). Cytogenetic location: 16p13.3.
Variant type: single nucleotide variant.
Coding change: c.839G>A on transcript NM_001089.3 (MANE Select); coding-DNA position 839, G replaced by A.
Protein change: p.Arg280His; replaces arginine 280 with histidine.
Molecular consequence: missense variant.
Genome position (GRCh38, 1-based): chr16:2,319,615, C>T on the plus strand (G>A on the coding strand, the complement: ABCA3 is on the minus strand). VCF-style: chr16-2319615-C-T. GRCh37 (hg19) VCF-style: chr16-2369616-C-T.
Other names: short protein forms R280H.
Identifiers: ClinVar variation 228421 (VCV000228421.26), dbSNP rs143008553, ClinGen allele CA7841503.